The following is an entry in ClinVar:

NM_000374.5(UROD):c.877G>C (p.Glu293Gln)

Gene: UROD (uroporphyrinogen decarboxylase; plus strand). Cytogenetic location: 1p34.1.
Variant type: single nucleotide variant.
Coding change: c.877G>C on transcript NM_000374.5 (MANE Select); coding-DNA position 877, G replaced by C.
Protein change: p.Glu293Gln; replaces glutamic acid 293 with glutamine.
Molecular consequence: missense variant. On other transcripts: non-coding transcript variant (3).
Genome position (GRCh38, 1-based): chr1:45,014,941, G>C. VCF-style: chr1-45014941-G-C. GRCh37 (hg19) VCF-style: chr1-45480613-G-C.
Other names: short protein forms E293Q.
Identifiers: ClinVar variation 3716096 (VCV003716096.2).
Genomic context (GRCh38, chr1:45,014,941, plus strand): 5'-TGGCTGGGGGAGCTGCCATGTATGCAGTTACCAGAACGTGGCGCTGGCTTTGCTTCCAGG[G>C]AGTGTGTGGGGAAGACGGTGACATTGCAGGGCAACCTGGACCCCTGTGCCTTGTATGCAT-3'
Protein context (NP_000365.3, residues 283-303): DWTVAPKKAR[Glu293Gln]CVGKTVTLQG

ClinVar aggregate classification (germline): Uncertain significance (1 of 4 stars; one submission).

gnomAD v4.1: 23 of 1,614,060 alleles (0.0014%); highest among the groups gnomAD compares: Non-Finnish European, 0.0019%; no homozygotes.

Submission:

Labcorp Genetics (formerly Invitae), Labcorp
Classification: Uncertain significance. Last evaluated: 2025-01-23. Review status: criteria provided, single submitter. Criteria: Invitae Variant Classification Sherloc (09022015). Collection method: clinical testing. Allele origin: germline.
Comment: This sequence change replaces glutamic acid, which is acidic and polar, with glutamine, which is neutral and polar, at codon 293 of the UROD protein (p.Glu293Gln). This variant is not present in population databases (gnomAD no frequency). This variant has not been reported in the literature in individuals affected with UROD-related conditions. An algorithm developed to predict the effect of missense changes on protein structure and function (PolyPhen-2) suggests that this variant is likely to be tolerated. In summary, the available evidence is currently insufficient to determine the role of this variant in disease. Therefore, it has been classified as a Variant of Uncertain Significance.